The following is an entry in ClinVar:

ClinVar aggregate classification (germline): Benign (1 of 4 stars; one submission).

Allele frequency attached by ClinVar (database versions not stated): 1000 Genomes Project 30x 0.00328; 1000 Genomes Project 0.00339; ESP Exome Variant Server 0.00931.
gnomAD v4.1: 16,467 of 1,614,176 alleles (1%); highest among the groups gnomAD compares: Non-Finnish European, 1.2%; 111 homozygotes.

Submission:

CeGaT Center for Human Genetics Tuebingen
Classification: Benign. Last evaluated: 2026-09-01. Review status: criteria provided, single submitter. Criteria: CeGaT Center For Human Genetics Tuebingen Variant Classification Criteria Version 2. Collection method: clinical testing. Allele origin: germline. Affected: yes. Observed: 4 variant alleles.
Comment: STOX1: BP4, BS1, BS2

NM_152709.5(STOX1):c.1744C>T (p.Leu582Phe)

Gene: STOX1 (storkhead box 1; plus strand). Cytogenetic location: 10q22.1.
Variant type: single nucleotide variant.
Coding change: c.1744C>T on transcript NM_152709.5 (MANE Select); coding-DNA position 1744, C replaced by T.
Protein change: p.Leu582Phe; replaces leucine 582 with phenylalanine.
Molecular consequence: missense variant. On other transcripts: intron variant (2).
Genome position (GRCh38, 1-based): chr10:68,885,540, C>T. VCF-style: chr10-68885540-C-T. GRCh37 (hg19) VCF-style: chr10-70645296-C-T.
Other names: c.1744C>T, p.Leu582Phe (NM_001130161.4); c.663+1081C>T (NM_001130159.3); c.463+3430C>T (NM_001130160.3); short protein forms L582F.
Identifiers: ClinVar variation 2640537 (VCV002640537.24), dbSNP rs41278530, ClinGen allele CA5528219.